The following is an entry in ClinVar:

NM_000057.4(BLM):c.1594G>C (p.Asp532His)

Gene: BLM (BLM RecQ like helicase; plus strand). Cytogenetic location: 15q26.1.
Variant type: single nucleotide variant.
Coding change: c.1594G>C on transcript NM_000057.4 (MANE Select); coding-DNA position 1594, G replaced by C.
Protein change: p.Asp532His; replaces aspartic acid 532 with histidine.
Molecular consequence: missense variant.
Genome position (GRCh38, 1-based): chr15:90,760,967, G>C. VCF-style: chr15-90760967-G-C. GRCh37 (hg19) VCF-style: chr15-91304197-G-C.
Other names: c.1594G>C (NM_000057.2); c.1594G>C, p.Asp532His (NM_001287246.2, NM_001287247.2); c.469G>C, p.Asp157His (NM_001287248.2); short protein forms D532H, D157H.
Identifiers: ClinVar variation 647501 (VCV000647501.10), dbSNP rs753723424, ClinGen allele CA393843400.

ClinVar aggregate classification (germline): Uncertain significance. Review status: criteria provided, multiple submitters, no conflicts (2 of 4 stars). 2 submissions from 2 submitters: Uncertain significance (2). Last evaluated 2025-09-06.

Conditions:
Bloom syndrome (BLM). Also called: Bloom-Torre-Machacek syndrome. Identifiers: Orphanet 125, MedGen C0005859, MONDO:0008876, OMIM 210900.
Hereditary cancer-predisposing syndrome. Also called: Hereditary Cancer Syndrome; Tumor predisposition; Hereditary neoplastic syndrome; Neoplastic Syndromes, Hereditary. Identifiers: Orphanet 140162, MedGen C0027672, MeSH D009386, MONDO:0015356.

Submissions (2):

Ambry Genetics
Classification: Uncertain significance for Hereditary cancer-predisposing syndrome. Last evaluated: 2025-09-06. Review status: criteria provided, single submitter. Criteria: Ambry Variant Classification Scheme 2023. Collection method: clinical testing. Allele origin: germline.
Comment: The p.D532H variant (also known as c.1594G>C), located in coding exon 6 of the BLM gene, results from a G to C substitution at nucleotide position 1594. The aspartic acid at codon 532 is replaced by histidine, an amino acid with similar properties. This amino acid position is conserved. In addition, this alteration is predicted to be tolerated by in silico analysis. Based on the available evidence, the clinical significance of this variant remains unclear.

Labcorp Genetics (formerly Invitae), Labcorp
Classification: Uncertain significance for Bloom syndrome. Last evaluated: 2018-08-28. Review status: criteria provided, single submitter. Criteria: Invitae Variant Classification Sherloc (09022015). Collection method: clinical testing. Allele origin: germline.
Comment: This sequence change replaces aspartic acid with histidine at codon 532 of the BLM protein (p.Asp532His). The aspartic acid residue is weakly conserved and there is a moderate physicochemical difference between aspartic acid and histidine. This variant is not present in population databases (ExAC no frequency). This variant has not been reported in the literature in individuals with BLM-related disease. Algorithms developed to predict the effect of missense changes on protein structure and function are either unavailable or do not agree on the potential impact of this missense change (SIFT: "Tolerated"; PolyPhen-2: "Possibly Damaging"; Align-GVGD: "Class C0"). In summary, the available evidence is currently insufficient to determine the role of this variant in disease. Therefore, it has been classified as a Variant of Uncertain Significance.